The following is an entry in ClinVar:

NM_015631.6(TCTN3):c.1760C>A (p.Ser587Ter)

Gene: TCTN3 (tectonic family member 3; minus strand). Cytogenetic location: 10q24.1.
Variant type: single nucleotide variant.
Coding change: c.1760C>A on transcript NM_015631.6 (MANE Select); coding-DNA position 1760, C replaced by A.
Protein change: p.Ser587Ter; replaces serine 587 with a stop codon.
Molecular consequence: nonsense.
Genome position (GRCh38, 1-based): chr10:95,664,131, G>T on the plus strand (C>A on the coding strand, the complement: TCTN3 is on the minus strand). VCF-style: chr10-95664131-G-T. GRCh37 (hg19) VCF-style: chr10-97423888-G-T.
Other names: c.1316C>A, p.Ser439Ter (NM_001143973.2); short protein forms S439*, S587*.
Identifiers: ClinVar variation 931147 (VCV000931147.3), dbSNP rs2097923913, ClinGen allele CA377698762.
Genomic context (GRCh38, chr10:95,664,131, plus strand): 5'-ATAGTCTCTAGGTTGAGAACTCCAAGTAGTAAGAGGCACAGGATAAGGATGGGAGAGACT[G>T]AGCATTTTTGAGAGAATACTCCTCTGCTGAATGCCACTTTGAAGGGAAAGAAGTCGAATG-3'

ClinVar aggregate classification (germline): Likely pathogenic (1 of 4 stars; one submission).

Conditions:
Orofacial-digital syndrome IV (OFD4). Also called: BARAITSER-BURN SYNDROME; Orofaciodigital syndrome IV; OFD SYNDROME WITH TIBIAL DEFECTS; OFD SYNDROME, BARAITSER-BURN TYPE; OFDS IV; ORAL-FACIAL-DIGITAL SYNDROME, TYPE IV. Identifiers: Orphanet 2753, MedGen C0406727, MONDO:0009794, OMIM 258860.

Submission:

Centre for Mendelian Genomics, University Medical Centre Ljubljana
Classification: Likely pathogenic for Orofacial-digital syndrome IV. Last evaluated: 2019-06-28. Review status: criteria provided, single submitter. Criteria: ACMG Guidelines, 2015. Collection method: clinical testing. Allele origin: unknown. Affected: yes.
Comment: This variant was classified as: Likely pathogenic. The following ACMG criteria were applied in classifying this variant: PVS1,PM2.